The following is an entry in ClinVar:

NM_001844.5(COL2A1):c.4046_4047del (p.Phe1349fs)

Gene: COL2A1 (collagen type II alpha 1 chain; minus strand). Cytogenetic location: 12q13.11.
Variant type: Deletion.
Coding change: c.4046_4047del on transcript NM_001844.5 (MANE Select); coding-DNA positions 4046 to 4047, 2 bases deleted (TT; older notation c.4046_4047delTT).
Protein change: p.Phe1349fs; shifts the reading frame from phenylalanine 1349.
Molecular consequence: frameshift variant.
Genome position (GRCh38, 1-based): chr12:47,974,702-47,974,703, AA deleted on the plus strand (TT on the coding strand, the reverse complement: COL2A1 is on the minus strand); deleting any 2 consecutive bases within chr12:47,974,702-47,974,704 gives the same sequence; the c. name uses the placement nearest the transcript's 3' end. VCF-style (leftmost placement, unchanged base first): chr12-47974701-CAA-C. GRCh37 (hg19) VCF-style: chr12-48368484-CAA-C.
Other names: c.3839_3840del, p.Phe1280fs (NM_033150.3); short protein forms F1349fs, F1280fs.
Identifiers: ClinVar variation 3653247 (VCV003653247.2).

ClinVar aggregate classification (germline): Pathogenic (1 of 4 stars; one submission).

Submission:

Labcorp Genetics (formerly Invitae), Labcorp
Classification: Pathogenic. Last evaluated: 2024-05-13. Review status: criteria provided, single submitter. Criteria: Invitae Variant Classification Sherloc (09022015). Collection method: clinical testing. Allele origin: germline.
Comment: This sequence change creates a premature translational stop signal (p.Phe1349Trpfs*15) in the COL2A1 gene. It is expected to result in an absent or disrupted protein product. Loss-of-function variants in COL2A1 are known to be pathogenic (PMID: 20179744). This variant is not present in population databases (gnomAD no frequency). This variant has not been reported in the literature in individuals affected with COL2A1-related conditions. For these reasons, this variant has been classified as Pathogenic.

Literature cited by the submitters: PubMed 20179744.